The following is an entry in ClinVar:

NM_014714.4(IFT140):c.3157G>A (p.Asp1053Asn)

Gene: IFT140 (intraflagellar transport 140; minus strand). Cytogenetic location: 16p13.3.
Variant type: single nucleotide variant.
Coding change: c.3157G>A on transcript NM_014714.4 (MANE Select); coding-DNA position 3157, G replaced by A.
Protein change: p.Asp1053Asn; replaces aspartic acid 1053 with asparagine.
Molecular consequence: missense variant.
Genome position (GRCh38, 1-based): chr16:1,523,941, C>T on the plus strand (G>A on the coding strand, the complement: IFT140 is on the minus strand). VCF-style: chr16-1523941-C-T. GRCh37 (hg19) VCF-style: chr16-1573942-C-T.
Other names: short protein forms D1053N.
Identifiers: ClinVar variation 886535 (VCV000886535.15), dbSNP rs148194893, ClinGen allele CA7813270.

ClinVar aggregate classification (germline): Uncertain significance. Review status: criteria provided, multiple submitters, no conflicts (2 of 4 stars). 6 submissions from 6 submitters: Uncertain significance (5). 1 of the submissions does not count toward it. Last evaluated 2025-03-07.

Conditions:
IFT140-related disorder. Also called: IFT140-related condition.
Retinitis pigmentosa 80 (RP80). Identifiers: MedGen C4540439, MONDO:0054708, OMIM 617781.
Saldino-Mainzer syndrome (SRTD9). Also called: Renal dysplasia, retinal pigmentary dystrophy, cerebellar ataxia and skeletal dysplasia; short-rib thoracic dysplasia 9 with or without polydactyly; CONORENAL SYNDROME; SHORT-RIB THORACIC DYSPLASIA 9 WITHOUT POLYDACTYLY. Identifiers: Orphanet 140969, MedGen C1849437, MONDO:0009964, OMIM 266920.

Allele frequency attached by ClinVar (database versions not stated): gnomAD exomes 0.00002; TOPMed 0.00007; 1000 Genomes Project 30x 0.00016; 1000 Genomes Project 0.00020.
gnomAD v4.1: 42 of 1,612,332 alleles (0.0026%); highest among the groups gnomAD compares: Admixed American, 0.012%; no homozygotes.

Submissions (6):

GeneDx
Classification: Uncertain significance. Last evaluated: 2025-03-07. Review status: criteria provided, single submitter. Criteria: GeneDx Variant Classification Process June 2021. Collection method: clinical testing. Allele origin: germline. Affected: yes.
Comment: In silico analysis supports that this missense variant has a deleterious effect on protein structure/function; Has not been previously published as pathogenic or benign to our knowledge

Fulgent Genetics
Classification: Uncertain significance for Saldino-Mainzer syndrome; Retinitis pigmentosa 80. Last evaluated: 2024-03-27. Review status: criteria provided, single submitter. Criteria: ACMG Guidelines, 2015. Collection method: clinical testing. Allele origin: germline.

Labcorp Genetics (formerly Invitae), Labcorp
Classification: Uncertain significance for Saldino-Mainzer syndrome. Last evaluated: 2023-08-04. Review status: criteria provided, single submitter. Criteria: Invitae Variant Classification Sherloc (09022015). Collection method: clinical testing. Allele origin: germline.
Comment: In summary, the available evidence is currently insufficient to determine the role of this variant in disease. Therefore, it has been classified as a Variant of Uncertain Significance. Advanced modeling of protein sequence and biophysical properties (such as structural, functional, and spatial information, amino acid conservation, physicochemical variation, residue mobility, and thermodynamic stability) performed at Invitae indicates that this missense variant is not expected to disrupt IFT140 protein function. ClinVar contains an entry for this variant (Variation ID: 886535). This variant has not been reported in the literature in individuals affected with IFT140-related conditions. This sequence change replaces aspartic acid, which is acidic and polar, with asparagine, which is neutral and polar, at codon 1053 of the IFT140 protein (p.Asp1053Asn). This variant is present in population databases (rs148194893, gnomAD 0.04%).

Blueprint Genetics
Classification: Uncertain significance. Last evaluated: 2022-07-29. Review status: criteria provided, single submitter. Criteria: ACMG Guidelines, 2015. Collection method: clinical testing. Allele origin: germline.

Illumina Laboratory Services, Illumina
Classification: Uncertain significance for Saldino-Mainzer syndrome. Last evaluated: 2018-01-12. Review status: criteria provided, single submitter. Criteria: ICSL Variant Classification Criteria 13 December 2019. Collection method: clinical testing. Allele origin: germline.

PreventionGenetics, part of Exact Sciences
Classification: Uncertain significance for IFT140-related condition. Last evaluated: 2024-01-11. Review status: no assertion criteria provided. Collection method: clinical testing. Allele origin: germline. Not counted in ClinVar's aggregate classification.
Comment: The IFT140 c.3157G>A variant is predicted to result in the amino acid substitution p.Asp1053Asn. To our knowledge, this variant has not been reported in the literature. This variant is reported in 0.039% of alleles in individuals of Ashkenazi Jewish descent in gnomAD. At this time, the clinical significance of this variant is uncertain due to the absence of conclusive functional and genetic evidence.